The following is an entry in ClinVar:

ClinVar aggregate classification (germline): Benign. Review status: reviewed by expert panel (3 of 4 stars). 2 submissions from 2 submitters: Benign (1). 1 of the submissions does not count toward it. Last evaluated 2015-01-12.

Conditions:
Breast-ovarian cancer, familial, susceptibility to, 2 (BROVCA2). Also called: BRCA2 Hereditary Breast and Ovarian Cancer. Identifiers: Orphanet 145, MedGen C2675520, MONDO:0012933, OMIM 612555. Disease mechanism: loss of function.

Allele frequency attached by ClinVar (database versions not stated): TOPMed 0.00079; 1000 Genomes Project 30x 0.00187; 1000 Genomes Project 0.00240; gnomAD 0.00608 and 0.00645.

Submissions (2):

Evidence-based Network for the Interpretation of Germline Mutant Alleles (ENIGMA)
Classification: Benign for Breast-ovarian cancer, familial 2. Last evaluated: 2015-01-12. Review status: reviewed by expert panel. Criteria: ENIGMA BRCA1/2 Classification Criteria (2015). Collection method: curation. Allele origin: germline.
Comment: Class 1 not pathogenic based on frequency >1% in an outbred sampleset. Frequency 0.01583 (European), derived from 1000 genomes (2012-04-30).

GeneDx
Classification: Benign. Last evaluated: 2018-06-28. Review status: criteria provided, single submitter. Criteria: GeneDx Variant Classification Process June 2021. Collection method: clinical testing. Allele origin: germline. Affected: yes. Not counted in ClinVar's aggregate classification.

NM_000059.4(BRCA2):c.426-232C>T

Gene: BRCA2 (BRCA2 DNA repair associated; plus strand). Cytogenetic location: 13q13.1.
Variant type: single nucleotide variant.
Coding change: c.426-232C>T on transcript NM_000059.4 (MANE Select); 232 bases into the intron before coding-DNA position 426, C replaced by T.
Molecular consequence: intron variant.
Genome position (GRCh38, 1-based): chr13:32,325,869, C>T. VCF-style: chr13-32325869-C-T. GRCh37 (hg19) VCF-style: chr13-32900006-C-T.
Other names: IVS 4-232C>T.
Identifiers: ClinVar variation 209651 (VCV000209651.3), dbSNP rs187438860, ClinGen allele CA276620.